The following is an entry in ClinVar:

NM_017547.4(FOXRED1):c.407G>A (p.Arg136Gln)

Gene: FOXRED1 (FAD dependent oxidoreductase domain containing 1; plus strand). Cytogenetic location: 11q24.2.
Variant type: single nucleotide variant.
Coding change: c.407G>A on transcript NM_017547.4 (MANE Select); coding-DNA position 407, G replaced by A.
Protein change: p.Arg136Gln; replaces arginine 136 with glutamine.
Molecular consequence: missense variant. On other transcripts: non-coding transcript variant (2).
Genome position (GRCh38, 1-based): chr11:126,273,069, G>A. VCF-style: chr11-126273069-G-A. GRCh37 (hg19) VCF-style: chr11-126142964-G-A.
Other names: short protein forms R136Q.
Identifiers: ClinVar variation 1402874 (VCV001402874.3), dbSNP rs758819066, ClinGen allele CA6354055.

ClinVar aggregate classification (germline): Uncertain significance (1 of 4 stars; one submission).

Allele frequency attached by ClinVar (database versions not stated): gnomAD exomes 0.00001 and 0.00002; ExAC 0.00002.
gnomAD v4.1: 14 of 1,566,148 alleles (0.00089%); highest among the groups gnomAD compares: East Asian, 0.0067%; no homozygotes.

Submission:

Labcorp Genetics (formerly Invitae), Labcorp
Classification: Uncertain significance. Last evaluated: 2022-06-05. Review status: criteria provided, single submitter. Criteria: Invitae Variant Classification Sherloc (09022015). Collection method: clinical testing. Allele origin: germline.
Comment: This sequence change replaces arginine, which is basic and polar, with glutamine, which is neutral and polar, at codon 136 of the FOXRED1 protein (p.Arg136Gln). This variant is present in population databases (rs758819066, gnomAD 0.01%). This variant has not been reported in the literature in individuals affected with FOXRED1-related conditions. ClinVar contains an entry for this variant (Variation ID: 1402874). Advanced modeling of protein sequence and biophysical properties (such as structural, functional, and spatial information, amino acid conservation, physicochemical variation, residue mobility, and thermodynamic stability) performed at Invitae indicates that this missense variant is expected to disrupt FOXRED1 protein function. Algorithms developed to predict the effect of sequence changes on RNA splicing suggest that this variant may create or strengthen a splice site. In summary, the available evidence is currently insufficient to determine the role of this variant in disease. Therefore, it has been classified as a Variant of Uncertain Significance.